The following is an entry in ClinVar:

NM_001001557.4(GDF6):c.817C>A (p.Gln273Lys)

Gene: GDF6 (growth differentiation factor 6; minus strand). Cytogenetic location: 8q22.1.
Variant type: single nucleotide variant.
Coding change: c.817C>A on transcript NM_001001557.4 (MANE Select); coding-DNA position 817, C replaced by A.
Protein change: p.Gln273Lys; replaces glutamine 273 with lysine.
Molecular consequence: missense variant.
Genome position (GRCh38, 1-based): chr8:96,145,114, G>T on the plus strand (C>A on the coding strand, the complement: GDF6 is on the minus strand). VCF-style: chr8-96145114-G-T. GRCh37 (hg19) VCF-style: chr8-97157342-G-T.
Other names: short protein forms Q273K.
Identifiers: ClinVar variation 912580 (VCV000912580.11), dbSNP rs780167779, ClinGen allele CA4815404.

ClinVar aggregate classification (germline): Benign/Likely benign. Review status: criteria provided, multiple submitters, no conflicts (2 of 4 stars). 2 submissions from 2 submitters: Benign (1); Likely benign (1). Last evaluated 2023-05-09.

Conditions:
Isolated microphthalmia 4. Identifiers: Orphanet 2542, MedGen C2751307, MONDO:0013130, OMIM 613094.
Leber congenital amaurosis 17 (LCA17). Identifiers: Orphanet 65, MedGen C3715164, MONDO:0014145, OMIM 615360.
Klippel-Feil syndrome 1, autosomal dominant (KFS1). Also called: CERVICAL VERTEBRAL FUSION, AUTOSOMAL DOMINANT. Identifiers: Orphanet 2345, MedGen C1861689, MONDO:0007306, OMIM 118100.
Microphthalmia, isolated, with coloboma 6 (MCOPCB6). Also called: Microphthalmia with coloboma 6, digenic; Microphthalmia with coloboma 6; MICROPHTHALMIA/COLOBOMA 6. Identifiers: Orphanet 98938, MedGen C3150968, MONDO:0013376, OMIM 613703.

Allele frequency attached by ClinVar (database versions not stated): gnomAD 0.00001; gnomAD exomes 0.00002; TOPMed 0.00002; ExAC 0.00009.
gnomAD v4.1: 28 of 1,524,632 alleles (0.0018%); highest among the groups gnomAD compares: Non-Finnish European, 0.0023%; no homozygotes.

Submissions (2):

Labcorp Genetics (formerly Invitae), Labcorp
Classification: Benign for Isolated microphthalmia 4; Leber congenital amaurosis 17; Klippel-Feil syndrome 1, autosomal dominant; Microphthalmia, isolated, with coloboma 6. Last evaluated: 2023-05-09. Review status: criteria provided, single submitter. Criteria: Invitae Variant Classification Sherloc (09022015). Collection method: clinical testing. Allele origin: germline.

Illumina Laboratory Services, Illumina
Classification: Likely benign for Klippel-Feil syndrome 1, autosomal dominant. Last evaluated: 2018-01-12. Review status: criteria provided, single submitter. Criteria: ICSL Variant Classification Criteria 13 December 2019. Collection method: clinical testing. Allele origin: germline.
Comment: This variant was observed in the ICSL laboratory as part of a predisposition screen in an ostensibly healthy population. It had not been previously curated by ICSL or reported in the Human Gene Mutation Database (HGMD: prior to June 1st, 2018), and was therefore a candidate for classification through an automated scoring system. Utilizing variant allele frequency, disease prevalence and penetrance estimates, and inheritance mode, an automated score was calculated to assess if this variant is too frequent to cause the disease. Based on the score and internal cut-off values, a variant classified as likely benign is not then subjected to further curation. The score for this variant resulted in a classification of likely benign for this disease.